The following is an entry in ClinVar:

NM_001458.5(FLNC):c.4378C>G (p.Arg1460Gly)

Gene: FLNC (filamin C; plus strand). Cytogenetic location: 7q32.1.
Variant type: single nucleotide variant.
Coding change: c.4378C>G on transcript NM_001458.5 (MANE Select); coding-DNA position 4378, C replaced by G.
Protein change: p.Arg1460Gly; replaces arginine 1460 with glycine.
Molecular consequence: missense variant.
Genome position (GRCh38, 1-based): chr7:128,847,786, C>G. VCF-style: chr7-128847786-C-G. GRCh37 (hg19) VCF-style: chr7-128487840-C-G.
Other names: c.4378C>G, p.Arg1460Gly (NM_001127487.2); short protein forms R1460G.
Identifiers: ClinVar variation 1978715 (VCV001978715.4), dbSNP rs376265227, ClinGen allele CA369201403.

ClinVar aggregate classification (germline): Uncertain significance (1 of 4 stars; one submission).

Conditions:
Myofibrillar myopathy 5. Also called: Filaminopathy (type); FILAMINOPATHY, AUTOSOMAL DOMINANT. Identifiers: Orphanet 171445, MedGen C1836050, MONDO:0012289, OMIM 609524.
Hypertrophic cardiomyopathy 26. Also called: Cardiomyopathy, familial hypertrophic, 26. Identifiers: Orphanet 75249, MedGen C4310749, MONDO:0014883, OMIM 617047.
Distal myopathy with posterior leg and anterior hand involvement. Also called: WILLIAMS DISTAL MYOPATHY. Identifiers: Orphanet 63273, MedGen C3279722, MONDO:0013550, OMIM 614065.

Submission:

Labcorp Genetics (formerly Invitae), Labcorp
Classification: Uncertain significance for Distal myopathy with posterior leg and anterior hand involvement; Myofibrillar myopathy 5; Hypertrophic cardiomyopathy 26. Last evaluated: 2022-11-22. Review status: criteria provided, single submitter. Criteria: Invitae Variant Classification Sherloc (09022015). Collection method: clinical testing. Allele origin: germline.
Comment: In summary, the available evidence is currently insufficient to determine the role of this variant in disease. Therefore, it has been classified as a Variant of Uncertain Significance. Algorithms developed to predict the effect of missense changes on protein structure and function (SIFT, PolyPhen-2, Align-GVGD) all suggest that this variant is likely to be tolerated. This variant has not been reported in the literature in individuals affected with FLNC-related conditions. This variant is not present in population databases (gnomAD no frequency). This sequence change replaces arginine, which is basic and polar, with glycine, which is neutral and non-polar, at codon 1460 of the FLNC protein (p.Arg1460Gly).